The following is an entry in ClinVar:

NM_177438.3(DICER1):c.4231G>A (p.Gly1411Ser)

Gene: DICER1 (dicer 1, ribonuclease III; minus strand). Cytogenetic location: 14q32.13.
Variant type: single nucleotide variant.
Coding change: c.4231G>A on transcript NM_177438.3 (MANE Select); coding-DNA position 4231, G replaced by A.
Protein change: p.Gly1411Ser; replaces glycine 1411 with serine.
Molecular consequence: missense variant. On other transcripts: non-coding transcript variant (6).
Genome position (GRCh38, 1-based): chr14:95,096,689, C>T on the plus strand (G>A on the coding strand, the complement: DICER1 is on the minus strand). VCF-style: chr14-95096689-C-T. GRCh37 (hg19) VCF-style: chr14-95563026-C-T.
Other names: c.3949G>A, p.Gly1317Ser (NM_001395686.1); c.3826G>A, p.Gly1276Ser (NM_001395687.1, NM_001395688.1, NM_001395689.1 and 2 more transcripts); c.3664G>A, p.Gly1222Ser (NM_001395691.1); c.4231G>A, p.Gly1411Ser (NM_001395692.1, NM_001395693.1, NM_001395694.1 and 12 more transcripts); c.2548G>A, p.Gly850Ser (NM_001395697.1); short protein forms G1222S, G1276S, G1317S, G1411S, G850S.
Identifiers: ClinVar variation 3368781 (VCV003368781.4).

ClinVar aggregate classification (germline): Uncertain significance. Review status: criteria provided, multiple submitters, no conflicts (2 of 4 stars). 3 submissions from 3 submitters: Uncertain significance (3). Last evaluated 2026-07-06.

Conditions:
Hereditary cancer-predisposing syndrome. Also called: Tumor predisposition; Hereditary Cancer Syndrome; Hereditary neoplastic syndrome; Neoplastic Syndromes, Hereditary. Identifiers: Orphanet 140162, MedGen C0027672, MeSH D009386, MONDO:0015356.
DICER1-related tumor predisposition. Also called: DICER1 syndrome; DICER1-related pleuropulmonary blastoma cancer predisposition syndrome. Identifiers: Orphanet 284343, MedGen C3839822, MONDO:0100216.

Submissions (3):

Ambry Genetics
Classification: Uncertain significance for Hereditary cancer-predisposing syndrome. Last evaluated: 2026-07-06. Review status: criteria provided, single submitter. Criteria: Ambry Variant Classification Scheme 2023. Collection method: clinical testing. Allele origin: germline.
Comment: The p.G1411S variant (also known as c.4231G>A), located in coding exon 22 of the DICER1 gene, results from a G to A substitution at nucleotide position 4231. The glycine at codon 1411 is replaced by serine, an amino acid with similar properties. This amino acid position is conserved. In addition, this alteration is predicted to be deleterious by in silico analysis. Based on the available evidence, the clinical significance of this variant remains unclear.

Labcorp Genetics (formerly Invitae), Labcorp
Classification: Uncertain significance for DICER1-related tumor predisposition. Last evaluated: 2024-07-02. Review status: criteria provided, single submitter. Criteria: Invitae Variant Classification Sherloc (09022015). Collection method: clinical testing. Allele origin: germline.
Comment: This sequence change replaces glycine, which is neutral and non-polar, with serine, which is neutral and polar, at codon 1411 of the DICER1 protein (p.Gly1411Ser). This variant is not present in population databases (gnomAD no frequency). This variant has not been reported in the literature in individuals affected with DICER1-related conditions. Advanced modeling of protein sequence and biophysical properties (such as structural, functional, and spatial information, amino acid conservation, physicochemical variation, residue mobility, and thermodynamic stability) performed at Invitae indicates that this missense variant is not expected to disrupt DICER1 protein function with a negative predictive value of 80%. In summary, the available evidence is currently insufficient to determine the role of this variant in disease. Therefore, it has been classified as a Variant of Uncertain Significance.

GeneDx
Classification: Uncertain significance. Last evaluated: 2024-02-02. Review status: criteria provided, single submitter. Criteria: GeneDx Variant Classification Process June 2021. Collection method: clinical testing. Allele origin: germline. Affected: yes.
Comment: Not observed at significant frequency in large population cohorts (gnomAD); In silico analysis supports that this missense variant does not alter protein structure/function; Has not been previously published as pathogenic or benign to our knowledge